The following is an entry in ClinVar:

NM_021175.4(HAMP):c.155T>C (p.Met52Thr)

Gene: HAMP (hepcidin antimicrobial peptide; plus strand). Cytogenetic location: 19q13.12.
Variant type: single nucleotide variant.
Coding change: c.155T>C on transcript NM_021175.4 (MANE Select); coding-DNA position 155, T replaced by C.
Protein change: p.Met52Thr; replaces methionine 52 with threonine.
Molecular consequence: missense variant.
Genome position (GRCh38, 1-based): chr19:35,284,942, T>C. VCF-style: chr19-35284942-T-C. GRCh37 (hg19) VCF-style: chr19-35775845-T-C.
Other names: short protein forms M52T.
Identifiers: ClinVar variation 641643 (VCV000641643.6), dbSNP rs749023682, ClinGen allele CA9375822.

ClinVar aggregate classification (germline): Uncertain significance (1 of 4 stars; one submission).

Conditions:
Hereditary hemochromatosis (HFE). Identifiers: MedGen C0392514, MONDO:0006507. Disease mechanism: loss of function.

Allele frequency attached by ClinVar (database versions not stated): gnomAD exomes below 0.00001 and 0.00001; ExAC 0.00001; gnomAD 0.00001; TOPMed 0.00002.
gnomAD v4.1: 5 of 1,612,860 alleles (0.00031%); highest among the groups gnomAD compares: East Asian, 0.0089%; no homozygotes.

Submission:

Labcorp Genetics (formerly Invitae), Labcorp
Classification: Uncertain significance for Hereditary hemochromatosis. Last evaluated: 2021-08-28. Review status: criteria provided, single submitter. Criteria: Invitae Variant Classification Sherloc (09022015). Collection method: clinical testing. Allele origin: germline.
Comment: This sequence change replaces methionine with threonine at codon 52 of the HAMP protein (p.Met52Thr). The methionine residue is moderately conserved and there is a moderate physicochemical difference between methionine and threonine. This variant is present in population databases (rs749023682, ExAC 0.01%). This variant has not been reported in the literature in individuals affected with HAMP-related conditions. Algorithms developed to predict the effect of missense changes on protein structure and function output the following: SIFT: "Tolerated"; PolyPhen-2: "Benign"; Align-GVGD: "Class C0". The threonine amino acid residue is found in multiple mammalian species, which suggests that this missense change does not adversely affect protein function. In summary, the available evidence is currently insufficient to determine the role of this variant in disease. Therefore, it has been classified as a Variant of Uncertain Significance.